The following is an entry in ClinVar:

ClinVar aggregate classification (germline): Uncertain significance (1 of 4 stars; one submission).

Submission:

Labcorp Genetics (formerly Invitae), Labcorp
Classification: Uncertain significance. Last evaluated: 2022-03-15. Review status: criteria provided, single submitter. Criteria: Invitae Variant Classification Sherloc (09022015). Collection method: clinical testing. Allele origin: germline.
Comment: This sequence change creates a premature translational stop signal (p.Ser1240*) in the KIF21B gene. It is expected to result in an absent or disrupted protein product. However, the current clinical and genetic evidence is not sufficient to establish whether loss-of-function variants in KIF21B cause disease. This variant is not present in population databases (gnomAD no frequency). This variant has not been reported in the literature in individuals affected with KIF21B-related conditions. In summary, the available evidence is currently insufficient to determine the role of this variant in disease. Therefore, it has been classified as a Variant of Uncertain Significance.

NM_001252102.2(KIF21B):c.3719C>A (p.Ser1240Ter)

Gene: KIF21B (kinesin family member 21B; minus strand). Cytogenetic location: 1q32.1.
Variant type: single nucleotide variant.
Coding change: c.3719C>A on transcript NM_001252102.2 (MANE Select); coding-DNA position 3719, C replaced by A.
Protein change: p.Ser1240Ter; replaces serine 1240 with a stop codon.
Molecular consequence: nonsense.
Genome position (GRCh38, 1-based): chr1:200,984,943, G>T on the plus strand (C>A on the coding strand, the complement: KIF21B is on the minus strand). VCF-style: chr1-200984943-G-T. GRCh37 (hg19) VCF-style: chr1-200954071-G-T.
Other names: c.3719C>A, p.Ser1240Ter (NM_001252100.2, NM_001252103.2, NM_017596.4); short protein forms S1240*.
Identifiers: ClinVar variation 2112730 (VCV002112730.4), dbSNP rs2465148020, ClinGen allele CA344124648.
Genomic context (GRCh38, chr1:200,984,943, plus strand): 5'-TGATTACTGGTGAGACGAGAGAAGACATTGCGGTCATTGCGGGGCCGAGTGGGAGGGGAT[G>T]ATGGGGGTGTGAATCCCACATCTGTGGACCTGGTGAGTCGGGACAGAGGGCAGCCTGTTA-3'